The following is an entry in ClinVar:

NM_016169.4(SUFU):c.910G>T (p.Asp304Tyr)

Gene: SUFU (SUFU negative regulator of hedgehog signaling; plus strand). Cytogenetic location: 10q24.32.
Variant type: single nucleotide variant.
Coding change: c.910G>T on transcript NM_016169.4 (MANE Select); coding-DNA position 910, G replaced by T.
Protein change: p.Asp304Tyr; replaces aspartic acid 304 with tyrosine.
Molecular consequence: missense variant.
Genome position (GRCh38, 1-based): chr10:102,597,293, G>T. VCF-style: chr10-102597293-G-T. GRCh37 (hg19) VCF-style: chr10-104357050-G-T.
Other names: c.910G>T, p.Asp304Tyr (NM_001178133.2); short protein forms D304Y.
Identifiers: ClinVar variation 2924420 (VCV002924420.3), dbSNP rs1385719041, ClinGen allele CA377910904.
Genomic context (GRCh38, chr10:102,597,293, plus strand): 5'-GATGACGAGGACAGCCGGAGCATCTGCATCGGCACACAGCCCCGGCGACTCTCTGGCAAA[G>T]GTGGGAGCCATCACTCAGCATTCCACCAGCCTTCCTCCTTCCTTTTCCCCAGGGCCTGGT-3'
Protein context (NP_057253.2, residues 294-314): GTQPRRLSGK[Asp304Tyr]TEQIRETLRR

ClinVar aggregate classification (germline): Uncertain significance (1 of 4 stars; one submission).

Conditions:
Gorlin syndrome. Also called: Nevoid Basal Cell Carcinoma Syndrome; Basal cell nevus syndrome. Identifiers: Orphanet 377, MedGen C0004779, MONDO:0007187.
Medulloblastoma (MDB). Also called: Medulloblastoma, somatic; MEDULLOBLASTOMA PREDISPOSITION SYNDROME. Identifiers: Orphanet 616, MedGen C0025149, MeSH D008527, MONDO:0007959, OMIM 155255, HP:0002885.

gnomAD v4.1: 1 of 1,612,256 alleles (0.000062%); highest among the groups gnomAD compares: Admixed American, 0.0017%; no homozygotes.

Submission:

Labcorp Genetics (formerly Invitae), Labcorp
Classification: Uncertain significance for Gorlin syndrome; Medulloblastoma. Last evaluated: 2023-08-14. Review status: criteria provided, single submitter. Criteria: Invitae Variant Classification Sherloc (09022015). Collection method: clinical testing. Allele origin: germline.
Comment: Variants that disrupt the consensus splice site are a relatively common cause of aberrant splicing (PMID: 17576681, 9536098). Algorithms developed to predict the effect of sequence changes on RNA splicing suggest that this variant may disrupt the consensus splice site. In summary, the available evidence is currently insufficient to determine the role of this variant in disease. Therefore, it has been classified as a Variant of Uncertain Significance. An algorithm developed to predict the effect of missense changes on protein structure and function (PolyPhen-2) suggests that this variant is likely to be disruptive. This sequence change replaces aspartic acid, which is acidic and polar, with tyrosine, which is neutral and polar, at codon 304 of the SUFU protein (p.Asp304Tyr). This variant also falls at the last nucleotide of exon 7, which is part of the consensus splice site for this exon. The frequency data for this variant in the population databases is considered unreliable, as metrics indicate poor data quality at this position in the gnomAD database. This variant has not been reported in the literature in individuals affected with SUFU-related conditions.

Literature cited by the submitters: PubMed 17576681; PubMed 9536098.